The following is an entry in ClinVar:

ClinVar aggregate classification (germline): Pathogenic/Likely pathogenic. Review status: criteria provided, multiple submitters, no conflicts (2 of 4 stars). 7 submissions from 7 submitters: Pathogenic (5); Likely pathogenic (1). 1 of the submissions does not count toward it. Last evaluated 2025-09-24.

Conditions:
CFTR-related disorder (CFTR-RD). Also called: CFTR-related disorders; CFTR-related condition. Identifiers: MedGen C5924204, MONDO:7770004.
Bronchiectasis with or without elevated sweat chloride 1 (BESC1). Also called: Cystic Fibrosis-Like Syndrome. Identifiers: Orphanet 60033, MedGen C2749757, MONDO:0008887, OMIM 211400.
Hereditary pancreatitis (PCTT). Also called: PRSS1-Related Hereditary Pancreatitis; Hereditary chronic pancreatitis. Identifiers: Orphanet 676, MedGen C0238339, MONDO:0008185, OMIM 167800.
Cystic fibrosis (CF). Also called: MUCOVISCIDOSIS. Identifiers: Orphanet 586, MedGen C0010674, MONDO:0009061, OMIM 219700. Disease mechanism: loss of function.
Congenital bilateral aplasia of vas deferens from CFTR mutation (CBAVD). Identifiers: Orphanet 48, MedGen C0403814, MONDO:0010178, OMIM 277180. Disease mechanism: loss of function.

Allele frequency attached by ClinVar (database versions not stated): ExAC 0.00001; gnomAD exomes below 0.00001.

Submissions (7):

Women's Health and Genetics/Laboratory Corporation of America, LabCorp
Classification: Pathogenic for Cystic fibrosis. Last evaluated: 2025-09-24. Review status: criteria provided, single submitter. Criteria: LabCorp Variant Classification Summary - May 2015. Collection method: clinical testing. Allele origin: germline.
Comment: Variant summary: CFTR c.43delC (p.Leu15PhefsX10) results in a premature termination codon, predicted to cause a truncation of the encoded protein or absence of the protein due to nonsense mediated decay, which are commonly known mechanisms for disease. The variant allele was found at a frequency of 4e-06 in 250782 control chromosomes. c.43delC has been observed in individual(s) affected with Cystic Fibrosis (e.g. Petrova_2020). These data indicate that the variant is likely associated with disease. The following publication has been ascertained in the context of this evaluation (PMID: 32429104). ClinVar contains an entry for this variant (Variation ID: 53945). Based on the evidence outlined above, the variant was classified as pathogenic.

Natera, Inc.
Classification: Pathogenic for CFTR-related disorders. Last evaluated: 2025-09-21. Review status: criteria provided, single submitter. Criteria: Natera Variant Classification Schema (03/2026). Collection method: clinical testing. Allele origin: germline.
Comment: The c.43delC variant in CFTR is a frameshift variant predicted to shift the reading frame beginning at codon 15 and leads to a stop codon 10 codons downstream. This variant is expected to result in nonsense mediated decay, truncation, or a dysfunctional protein product. This variant is rare in the general population with a frequency below the threshold expected for the associated phenotype(s). This variant has been observed in one or more individuals affected with the associated recessive disease, as either homozygous or compound heterozygous with a second variant (PMID: 24586523, 29504914, 30548586). Given the available evidence, this variant is classified as Pathogenic.

Fulgent Genetics
Classification: Likely pathogenic for Hereditary pancreatitis; Bronchiectasis with or without elevated sweat chloride 1; Cystic fibrosis; Congenital bilateral aplasia of vas deferens from CFTR mutation. Last evaluated: 2024-01-13. Review status: criteria provided, single submitter. Criteria: ACMG Guidelines, 2015. Collection method: clinical testing. Allele origin: germline.

Labcorp Genetics (formerly Invitae), Labcorp
Classification: Pathogenic for Cystic fibrosis. Last evaluated: 2023-04-13. Review status: criteria provided, single submitter. Criteria: Invitae Variant Classification Sherloc (09022015). Collection method: clinical testing. Allele origin: germline.
Comment: For these reasons, this variant has been classified as Pathogenic. ClinVar contains an entry for this variant (Variation ID: 53945). This variant is also known as 175 del C. This premature translational stop signal has been observed in individual(s) with cystic fibrosis (PMID: 7541273). This variant is present in population databases (rs397508715, gnomAD 0.006%). This sequence change creates a premature translational stop signal (p.Leu15Phefs*10) in the CFTR gene. It is expected to result in an absent or disrupted protein product. Loss-of-function variants in CFTR are known to be pathogenic (PMID: 1695717, 7691345, 9725922).

Baylor Genetics
Classification: Pathogenic for Bronchiectasis with or without elevated sweat chloride 1. Last evaluated: 2023-03-21. Review status: criteria provided, single submitter. Criteria: ACMG Guidelines, 2015. Collection method: clinical testing. Allele origin: unknown.

Institute of Human Genetics, University of Leipzig Medical Center
Classification: Pathogenic for Cystic fibrosis. Last evaluated: 2022-09-05. Review status: criteria provided, single submitter. Criteria: ACMG Guidelines, 2015. Collection method: curation. Allele origin: unknown. Affected: yes. Observed: 3 variant alleles.
Comment: This variant was identified in 3 unrelated patients with a clinically confirmed diagnosis of cystic fibrosis. The variant was classified in the context of a project re-classifying variants in the German Cystic Fibrosis Registry (Muko.e.V.). Criteria applied: PVS1, PM3, PM2_SUP, PP4

ClinVar Staff, National Center for Biotechnology Information (NCBI)
No classification provided. Condition: CFTR-related disorders. Review status: no classification provided. Collection method: literature only. Allele origin: germline. Affected: yes. Not counted in ClinVar's aggregate classification.

Literature cited by the submitters: PubMed 32429104 (cited by Women's Health and Genetics/Laboratory Corporation of America, LabCorp); PubMed 24586523 (cited by Natera, Inc.); PubMed 29504914 (cited by Natera, Inc.); PubMed 30548586 (cited by Natera, Inc.); PubMed 7541273 (cited by Labcorp Genetics (formerly Invitae), Labcorp and ClinVar Staff, National Center for Biotechnology Information (NCBI)); PubMed 1695717 (cited by Labcorp Genetics (formerly Invitae), Labcorp); PubMed 7691345 (cited by Labcorp Genetics (formerly Invitae), Labcorp); PubMed 9725922 (cited by Labcorp Genetics (formerly Invitae), Labcorp).

NM_000492.4(CFTR):c.43del (p.Leu15fs)

Gene: CFTR (CF transmembrane conductance regulator; plus strand). Cytogenetic location: 7q31.2.
Variant type: Deletion.
Coding change: c.43del on transcript NM_000492.4 (MANE Select); coding-DNA position 43, one base deleted (C; older notation c.43delC).
Protein change: p.Leu15fs; shifts the reading frame from leucine 15.
Molecular consequence: frameshift variant.
Genome position (GRCh38, 1-based): chr7:117,480,137, C deleted. VCF-style (leftmost placement, unchanged base first): chr7-117480136-AC-A. GRCh37 (hg19) VCF-style: chr7-117120190-AC-A.
Other names: 175delC; c.43delC (NM_000492.3, NM_000492.4); short protein forms L15fs.
Identifiers: ClinVar variation 53945 (VCV000053945.9), dbSNP rs397508715, ClinGen allele CA327486.
Genomic context (GRCh38, chr7:117,480,136, plus strand): 5'-CCCCAGCGCCCGAGAGACCATGCAGAGGTCGCCTCTGGAAAAGGCCAGCGTTGTCTCCAA[AC>A]TTTTTTTCAGGTGAGAAGGTGGCCAACCGAGCTTCGGAAAGACACGTGCCCACGAAAGAG-3'